The following is an entry in ClinVar:

NM_000392.5(ABCC2):c.3498C>T (p.Thr1166=)

Gene: ABCC2 (ATP binding cassette subfamily C member 2; plus strand). Cytogenetic location: 10q24.2.
Variant type: single nucleotide variant.
Coding change: c.3498C>T on transcript NM_000392.5 (MANE Select); coding-DNA position 3498, C replaced by T.
Protein change: p.Thr1166=; no amino-acid change (threonine 1166 retained).
Molecular consequence: synonymous variant.
Genome position (GRCh38, 1-based): chr10:99,836,174, C>T. VCF-style: chr10-99836174-C-T. GRCh37 (hg19) VCF-style: chr10-101595931-C-T.
Other names: c.3498C>T, p.Thr1166= (LRG_1208t1); c.3498C>T (NM_000392.4).
Identifiers: ClinVar variation 500973 (VCV000500973.11), dbSNP rs564908429, ClinGen allele CA5643829.

ClinVar aggregate classification (germline): Conflicting classifications of pathogenicity. Review status: criteria provided, conflicting classifications (1 of 4 stars). 3 submissions from 3 submitters: Uncertain significance (1); Benign (1). 1 of the submissions does not count toward it. Last evaluated 2024-03-15.

Conditions:
ABCC2-related disorder. Also called: ABCC2-related condition.

Allele frequency attached by ClinVar (database versions not stated): gnomAD below 0.00001 and 0.00007; TOPMed 0.00001; 1000 Genomes Project 0.00020; gnomAD exomes 0.00024 and 0.00048; ExAC 0.00053; 1000 Genomes Project 30x 0.00062.
gnomAD v4.1: 342 of 1,614,184 alleles (0.021%); highest among the groups gnomAD compares: South Asian, 0.37%; 5 homozygotes.

Submissions (3):

Labcorp Genetics (formerly Invitae), Labcorp
Classification: Benign. Last evaluated: 2024-03-15. Review status: criteria provided, single submitter. Criteria: Invitae Variant Classification Sherloc (09022015). Collection method: clinical testing. Allele origin: germline.

Eurofins Ntd Llc (ga)
Classification: Uncertain significance. Last evaluated: 2017-03-21. Review status: criteria provided, single submitter. Criteria: EGL Classification Definitions 2015. Collection method: clinical testing. Allele origin: germline. Observed: 1 variant allele, 1 heterozygote.

PreventionGenetics, part of Exact Sciences
Classification: Likely benign for ABCC2-related condition. Last evaluated: 2023-07-11. Review status: no assertion criteria provided. Collection method: clinical testing. Allele origin: germline. Not counted in ClinVar's aggregate classification.
Comment: This variant is classified as likely benign based on ACMG/AMP sequence variant interpretation guidelines (Richards et al. 2015 PMID: 25741868, with internal and published modifications).